The following is an entry in ClinVar:

NM_139076.3(ABRAXAS1):c.680A>C (p.Lys227Thr)

Gene: ABRAXAS1 (abraxas 1, BRCA1 A complex subunit; minus strand). Cytogenetic location: 4q21.23.
Variant type: single nucleotide variant.
Coding change: c.680A>C on transcript NM_139076.3 (MANE Select); coding-DNA position 680, A replaced by C.
Protein change: p.Lys227Thr; replaces lysine 227 with threonine.
Molecular consequence: missense variant.
Genome position (GRCh38, 1-based): chr4:83,467,455, T>G on the plus strand (A>C on the coding strand, the complement: ABRAXAS1 is on the minus strand). VCF-style: chr4-83467455-T-G. GRCh37 (hg19) VCF-style: chr4-84388608-T-G.
Other names: c.353A>C, p.Lys118Thr (NM_001345962.2); short protein forms K227T, K118T.
Identifiers: ClinVar variation 411325 (VCV000411325.16), dbSNP rs149091407, ClinGen allele CA2990487.

ClinVar aggregate classification (germline): Conflicting classifications of pathogenicity. Review status: criteria provided, conflicting classifications (1 of 4 stars). 3 submissions from 3 submitters: Uncertain significance (1); Likely benign (2). Last evaluated 2025-07-31.

Allele frequency attached by ClinVar (database versions not stated): gnomAD exomes 0.00008; ExAC 0.00011; gnomAD 0.00038 and 0.00043; TOPMed 0.00038; ESP Exome Variant Server 0.00069.
gnomAD v4.1: 99 of 1,488,908 alleles (0.0066%); highest among the groups gnomAD compares: African/African-American, 0.13%; no homozygotes.

Submissions (3):

Labcorp Genetics (formerly Invitae), Labcorp
Classification: Likely benign. Last evaluated: 2025-07-31. Review status: criteria provided, single submitter. Criteria: Invitae Variant Classification Sherloc (09022015). Collection method: clinical testing. Allele origin: germline.

Ambry Genetics
Classification: Uncertain significance. Last evaluated: 2024-09-12. Review status: criteria provided, single submitter. Criteria: Ambry Variant Classification Scheme 2023. Collection method: clinical testing. Allele origin: germline.
Comment: The p.K227T variant (also known as c.680A>C), located in coding exon 7 of the FAM175A gene, results from an A to C substitution at nucleotide position 680. The lysine at codon 227 is replaced by threonine, an amino acid with similar properties. This amino acid position is conserved. In addition, this alteration is predicted to be tolerated by in silico analysis. Since supporting evidence is limited at this time, the clinical significance of this alteration remains unclear.

Women's Health and Genetics/Laboratory Corporation of America, LabCorp
Classification: Likely benign. Last evaluated: 2018-11-12. Review status: criteria provided, single submitter. Criteria: LabCorp Variant Classification Summary - May 2015. Collection method: clinical testing. Allele origin: germline.
Comment: Variant summary: FAM175A c.680A>C (p.Lys227Thr) results in a non-conservative amino acid change in the encoded protein sequence. Four of five in-silico tools predict a damaging effect of the variant on protein function. The variant allele was found at a frequency of 0.00011 in 272568 control chromosomes, predominantly at a frequency of 0.0013 within the African subpopulation in the gnomAD database. The observed variant frequency within African control individuals in the gnomAD database is approximately 42 fold of the estimated maximal expected allele frequency for a pathogenic variant in FAM175A causing Hereditary Breast and Ovarian Cancer phenotype (3.1e-05), strongly suggesting that the variant is a benign polymorphism found primarily in populations of African origin. To our knowledge, no occurrence of c.680A>C in individuals affected with Hereditary Breast and Ovarian Cancer and no experimental evidence demonstrating its impact on protein function have been reported. A ClinVar submission from a clinical diagnostic laboratory (evaluation after 2014) cites the variant as uncertain significance. Based on the evidence outlined above, the variant was classified as likely benign.